The following is an entry in ClinVar:

ClinVar aggregate classification (germline): Pathogenic (1 of 4 stars; one submission).

Conditions:
Fabry disease. Also called: ALPHA-GALACTOSIDASE A DEFICIENCY; ANDERSON-FABRY DISEASE; CERAMIDE TRIHEXOSIDASE DEFICIENCY; GLA DEFICIENCY; HEREDITARY DYSTOPIC LIPIDOSIS; Angiokeratoma corporis diffusum. Identifiers: Orphanet 324, MedGen C0002986, MONDO:0010526, OMIM 301500, HP:0001071. Disease mechanism: Fabry disease is due to inactivating mutations in the X-linked GLA gene resulting in deficiency of the enzyme Alpha Galactosidase-A., loss of function.

Submission:

Genomenon, Inc
Classification: Pathogenic for Fabry disease. Last evaluated: 2026-09-08. Review status: criteria provided, single submitter. Criteria: Genomenon Sequence Variant Interpretation Standards - Updated. Collection method: curation. Allele origin: germline. Affected: yes.
Comment: GLA p.Glu87GlyfsTer34 (c.260del) is a frameshift variant that is predicted to introduce a premature termination codon and result in a truncated or absent protein product. This variant has been observed in at least one proband with clinical features consistent with Fabry disease (PMID:24656905). Functional or patient cell studies have been reported (PMID:24656905). It is absent or not present at a significant frequency in gnomAD. In conclusion, we classify GLA p.Glu87GlyfsTer34 (c.260del) as a pathogenic variant.

Literature cited by the submitters: PubMed 24656905.

NM_000169.3(GLA):c.260del (p.Glu87fs)

Genes: GLA (galactosidase alpha; minus strand), RPL36A-HNRNPH2 (RPL36A-HNRNPH2 readthrough; plus strand). Cytogenetic location: Xq22.1.
Variant type: Deletion.
Coding change: c.260del on transcript NM_000169.3 (MANE Select); coding-DNA position 260, one base deleted (A; older notation c.260delA).
Protein change: p.Glu87fs; shifts the reading frame from glutamic acid 87.
Molecular consequence: frameshift variant. On other transcripts: non-coding transcript variant (3), intron variant (2).
Genome position (GRCh38, 1-based): chrX:101,403,920, T deleted on the plus strand (A on the coding strand, the reverse complement: GLA is on the minus strand). VCF-style (leftmost placement, unchanged base first): chrX-101403919-CT-C. GRCh37 (hg19) VCF-style: chrX-100658907-CT-C.
Other names: c.383del, p.Glu128fs (NM_001406747.1, NM_001406749.1); c.260del, p.Glu87fs (NM_001406748.1); c.301-8016del (NM_001199973.2); c.178-8016del (NM_001199974.2); short protein forms E87fs, E128fs.
Identifiers: ClinVar variation 4086936 (VCV004086936.2), dbSNP rs869312269.